The following is an entry in ClinVar:

ClinVar aggregate classification (germline): Uncertain significance (1 of 4 stars; one submission).

Conditions:
Immunodeficiency 14 (IMD14A). Also called: p110-DELTA-ACTIVATING MUTATION CAUSING SENESCENT T CELLS, LYMPHADENOPATHY, AND IMMUNODEFICIENCY; IMMUNODEFICIENCY 14A WITH LYMPHOPROLIFERATION, AUTOSOMAL DOMINANT; ACTIVATED PI3K-DELTA SYNDROME 1; Activated PI3K Delta Syndrome Type 1 (APDS1). Identifiers: Orphanet 397596, Orphanet 693661, MedGen C5907821, MONDO:0014222, OMIM 615513.

Submission:

Labcorp Genetics (formerly Invitae), Labcorp
Classification: Uncertain significance for Activated PI3K-delta syndrome. Last evaluated: 2023-05-11. Review status: criteria provided, single submitter. Criteria: Invitae Variant Classification Sherloc (09022015). Collection method: clinical testing. Allele origin: germline.
Comment: In summary, the available evidence is currently insufficient to determine the role of this variant in disease. Therefore, it has been classified as a Variant of Uncertain Significance. Algorithms developed to predict the effect of sequence changes on RNA splicing suggest that this variant may create or strengthen a splice site. This variant has not been reported in the literature in individuals affected with PIK3CD-related conditions. This variant is not present in population databases (gnomAD no frequency). This sequence change falls in intron 21 of the PIK3CD gene. It does not directly change the encoded amino acid sequence of the PIK3CD protein.

NM_005026.5(PIK3CD):c.2719-15CTCCC[4]

Gene: PIK3CD (phosphatidylinositol-4,5-bisphosphate 3-kinase catalytic subunit delta; plus strand). Cytogenetic location: 1p36.22.
Variant type: Microsatellite.
Coding change: c.2719-15CTCCC[4] on transcript NM_005026.5 (MANE Select); four copies in a row of the 5-base unit CTCCC starting at c.2719-15.
Molecular consequence: intron variant.
Genome position: GRCh38 VCF-style: chr1-9724260-T-TCTCCCCTCCC. GRCh37 (hg19) VCF-style: chr1-9784318-T-TCTCCCCTCCC.
Other names: c.2716-15CTCCC[4] (NM_001350234.2); c.2632-15CTCCC[4] (NM_001350235.1).
Identifiers: ClinVar variation 2705383 (VCV002705383.3), dbSNP rs750188654, ClinGen allele CA2643142163.